The following is an entry in ClinVar:

ClinVar aggregate classification (germline): Uncertain significance (1 of 4 stars; one submission).

Conditions:
Nemaline myopathy 2 (NEM2). Also called: Nemaline myopathy 2, autosomal recessive. Identifiers: MedGen C1850569, MONDO:0009725, OMIM 256030.

gnomAD v4.1: 2 of 1,612,192 alleles (0.00012%); highest among the groups gnomAD compares: Non-Finnish European, 0.00017%; no homozygotes.

Submission:

Labcorp Genetics (formerly Invitae), Labcorp
Classification: Uncertain significance for Nemaline myopathy 2. Last evaluated: 2025-06-09. Review status: criteria provided, single submitter. Criteria: Invitae Variant Classification Sherloc (09022015). Collection method: clinical testing. Allele origin: germline.
Comment: This sequence change replaces glutamine, which is neutral and polar, with lysine, which is basic and polar, at codon 5958 of the NEB protein (p.Gln5958Lys). This variant is not present in population databases (gnomAD no frequency). This variant has not been reported in the literature in individuals affected with NEB-related conditions. ClinVar contains an entry for this variant (Variation ID: 2185773). Experimental studies and prediction algorithms are not available or were not evaluated, and the functional significance of this variant is currently unknown. In summary, the available evidence is currently insufficient to determine the role of this variant in disease. Therefore, it has been classified as a Variant of Uncertain Significance.

NM_001164508.2(NEB):c.17872C>A (p.Gln5958Lys)

Gene: NEB (nebulin; minus strand). Cytogenetic location: 2q23.3.
Variant type: single nucleotide variant.
Coding change: c.17872C>A on transcript NM_001164508.2 (MANE Select); coding-DNA position 17872, C replaced by A.
Protein change: p.Gln5958Lys; replaces glutamine 5958 with lysine.
Molecular consequence: missense variant.
Genome position (GRCh38, 1-based): chr2:151,567,452, G>T on the plus strand (C>A on the coding strand, the complement: NEB is on the minus strand). VCF-style: chr2-151567452-G-T. GRCh37 (hg19) VCF-style: chr2-152423966-G-T.
Other names: c.17872C>A, p.Gln5958Lys (NM_001164507.2, NM_001271208.2); c.12769C>A, p.Gln4257Lys (NM_004543.5); short protein forms Q5958K, Q4257K.
Identifiers: ClinVar variation 2185773 (VCV002185773.4), dbSNP rs2552193812, ClinGen allele CA348804067.